The following is an entry in ClinVar:

ClinVar aggregate classification (germline): Uncertain significance (1 of 4 stars; one submission).

Submission:

Labcorp Genetics (formerly Invitae), Labcorp
Classification: Uncertain significance. Last evaluated: 2024-07-16. Review status: criteria provided, single submitter. Criteria: Invitae Variant Classification Sherloc (09022015). Collection method: clinical testing. Allele origin: germline.
Comment: This sequence change replaces arginine, which is basic and polar, with glycine, which is neutral and non-polar, at codon 1130 of the ERBIN protein (p.Arg1130Gly). This variant is not present in population databases (gnomAD no frequency). This variant has not been reported in the literature in individuals affected with ERBIN-related conditions. An algorithm developed to predict the effect of missense changes on protein structure and function (PolyPhen-2) suggests that this variant is likely to be disruptive. In summary, the available evidence is currently insufficient to determine the role of this variant in disease. Therefore, it has been classified as a Variant of Uncertain Significance.

NM_001253697.2(ERBIN):c.3388C>G (p.Arg1130Gly)

Gene: ERBIN (erbb2 interacting protein; plus strand). Cytogenetic location: 5q12.3.
Variant type: single nucleotide variant.
Coding change: c.3388C>G on transcript NM_001253697.2 (MANE Select); coding-DNA position 3388, C replaced by G.
Protein change: p.Arg1130Gly; replaces arginine 1130 with glycine.
Molecular consequence: missense variant.
Genome position (GRCh38, 1-based): chr5:66,054,706, C>G. VCF-style: chr5-66054706-C-G. GRCh37 (hg19) VCF-style: chr5-65350534-C-G.
Other names: c.3388C>G, p.Arg1130Gly (NM_001006600.3, NM_001253698.2, NM_001253699.2 and 1 more transcripts); c.3376C>G, p.Arg1126Gly (NM_001253701.2); short protein forms R1130G, R1126G.
Identifiers: ClinVar variation 3659657 (VCV003659657.2).
Genomic context (GRCh38, chr5:66,054,706, plus strand): 5'-TTCCACTCAGCGGGAAGAACTCCTCCAATGATGCCAGGATCACAGAGACCCCTTTCTGCA[C>G]GAACATACAGCATAGATGGTCCAAATGCATCAAGACCTCAGAGTGCTCGACCCTCTATTA-3'
Protein context (NP_001240626.1, residues 1120-1140): MPGSQRPLSA[Arg1130Gly]TYSIDGPNAS